The following is an entry in ClinVar:

NM_000069.3(CACNA1S):c.3137T>A (p.Ile1046Asn)

Gene: CACNA1S (calcium voltage-gated channel subunit alpha1 S; minus strand). Cytogenetic location: 1q32.1.
Variant type: single nucleotide variant.
Coding change: c.3137T>A on transcript NM_000069.3 (MANE Select); coding-DNA position 3137, T replaced by A.
Protein change: p.Ile1046Asn; replaces isoleucine 1046 with asparagine.
Molecular consequence: missense variant.
Genome position (GRCh38, 1-based): chr1:201,061,385, A>T on the plus strand (T>A on the coding strand, the complement: CACNA1S is on the minus strand). VCF-style: chr1-201061385-A-T. GRCh37 (hg19) VCF-style: chr1-201030513-A-T.
Other names: short protein forms I1046N.
Identifiers: ClinVar variation 1019539 (VCV001019539.12), dbSNP rs749706205, ClinGen allele CA36007364.

ClinVar aggregate classification (germline): Uncertain significance. Review status: criteria provided, multiple submitters, no conflicts (2 of 4 stars). 9 submissions from 6 submitters: Uncertain significance (9). Last evaluated 2025-06-10.

Conditions:
Congenital myopathy 18. Also called: Myopathy, congenital, due to dihydropyridine receptor defect; DIHYDROPYRIDINE RECEPTOR CONGENITAL MYOPATHY; DHPR CONGENITAL MYOPATHY. Identifiers: MedGen C5830283, MONDO:0859514, OMIM 620246.
Thyrotoxic periodic paralysis, susceptibility to, 1 (TTPP1). Identifiers: Orphanet 79102, MedGen C2749982, MONDO:0008570, OMIM 188580.
Hypokalemic periodic paralysis, type 1. Also called: HypoPP; Hypokalemic Periodic Paralysis Type 1 (AD). Identifiers: Orphanet 681, MedGen C3714580, MONDO:0042979, OMIM 170400.
Malignant hyperthermia, susceptibility to, 5 (MHS5). Also called: CACNA1S-Related Malignant Hyperthermia Susceptibility. Identifiers: Orphanet 423, MedGen C1866077, MONDO:0011163, OMIM 601887.

Allele frequency attached by ClinVar (database versions not stated): gnomAD exomes 0.00001; TOPMed 0.00001.
gnomAD v4.1: 18 of 1,614,230 alleles (0.0011%); highest among the groups gnomAD compares: Non-Finnish European, 0.0015%; no homozygotes.

Submissions (9):

Color Diagnostics, LLC DBA Color Health
Classification: Uncertain significance for Malignant hyperthermia, susceptibility to, 5. Last evaluated: 2025-06-10. Review status: criteria provided, single submitter. Criteria: ACMG Guidelines, 2015. Collection method: clinical testing. Allele origin: germline.
Comment: This missense variant replaces isoleucine with asparagine at codon 1046 of the CACNA1S protein. Computational prediction suggests that this variant may have deleterious impact on protein structure and function. To our knowledge, functional studies have not been reported for this variant. This variant has not been reported in individuals affected with CACNA1S-related disorders in the literature. This variant has been identified in 3/251484 chromosomes in the general population by the Genome Aggregation Database (gnomAD). The available evidence is insufficient to determine the role of this variant in disease conclusively. Therefore, this variant is classified as a Variant of Uncertain Significance.

Labcorp Genetics (formerly Invitae), Labcorp
Classification: Uncertain significance for Hypokalemic periodic paralysis, type 1; Malignant hyperthermia, susceptibility to, 5. Last evaluated: 2024-10-07. Review status: criteria provided, single submitter. Criteria: Invitae Variant Classification Sherloc (09022015). Collection method: clinical testing. Allele origin: germline.
Comment: This sequence change replaces isoleucine, which is neutral and non-polar, with asparagine, which is neutral and polar, at codon 1046 of the CACNA1S protein (p.Ile1046Asn). This variant is present in population databases (rs749706205, gnomAD 0.003%). This variant has not been reported in the literature in individuals affected with CACNA1S-related conditions. ClinVar contains an entry for this variant (Variation ID: 1019539). Invitae Evidence Modeling of protein sequence and biophysical properties (such as structural, functional, and spatial information, amino acid conservation, physicochemical variation, residue mobility, and thermodynamic stability) has been performed for this missense variant. However, the output from this modeling did not meet the statistical confidence thresholds required to predict the impact of this variant on CACNA1S protein function. In summary, the available evidence is currently insufficient to determine the role of this variant in disease. Therefore, it has been classified as a Variant of Uncertain Significance.

All of Us Research Program, National Institutes of Health
Classification: Uncertain significance for Malignant hyperthermia, susceptibility to, 5. Last evaluated: 2023-10-02. Review status: criteria provided, single submitter. Criteria: ACMG Guidelines, 2015. Collection method: clinical testing. Allele origin: germline. Inheritance: Autosomal dominant inheritance. Observed: 3 variant alleles, 3 heterozygotes.
Comment: This missense variant replaces isoleucine with asparagine at codon 1046 of the CACNA1S protein. Computational prediction suggests that this variant may have deleterious impact on protein structure and function (internally defined REVEL score threshold >= 0.7, PMID: 27666373). To our knowledge, functional studies have not been reported for this variant. This variant has not been reported in individuals affected with CACNA1S-related disorders in the literature. This variant has been identified in 3/251484 chromosomes in the general population by the Genome Aggregation Database (gnomAD). The available evidence is insufficient to determine the role of this variant in disease conclusively. Therefore, this variant is classified as a Variant of Uncertain Significance.

This study involves interpretation of variants in research participants for the purpose of population health screening. Participant phenotype was not available at the time of variant classification. Additional details can be found in publication PMID: 35346344, PMCID: PMC8962531

Genome-Nilou Lab
Classification: Uncertain significance for Malignant hyperthermia, susceptibility to, 5. Last evaluated: 2023-04-11. Review status: criteria provided, single submitter. Criteria: ACMG Guidelines, 2015. Collection method: clinical testing. Allele origin: germline. Affected: no.

Genome-Nilou Lab
Classification: Uncertain significance for Thyrotoxic periodic paralysis, susceptibility to, 1. Last evaluated: 2023-04-11. Review status: criteria provided, single submitter. Criteria: ACMG Guidelines, 2015. Collection method: clinical testing. Allele origin: germline. Affected: no.

Genome-Nilou Lab
Classification: Uncertain significance for Congenital myopathy 18. Last evaluated: 2023-04-11. Review status: criteria provided, single submitter. Criteria: ACMG Guidelines, 2015. Collection method: clinical testing. Allele origin: germline. Affected: no.

Genome-Nilou Lab
Classification: Uncertain significance for Hypokalemic periodic paralysis, type 1. Last evaluated: 2023-04-11. Review status: criteria provided, single submitter. Criteria: ACMG Guidelines, 2015. Collection method: clinical testing. Allele origin: germline. Affected: no.

Fulgent Genetics
Classification: Uncertain significance for Hypokalemic periodic paralysis, type 1; Thyrotoxic periodic paralysis, susceptibility to, 1; Malignant hyperthermia, susceptibility to, 5. Last evaluated: 2022-02-15. Review status: criteria provided, single submitter. Criteria: ACMG Guidelines, 2015. Collection method: clinical testing. Allele origin: unknown.

GeneDx
Classification: Uncertain significance. Last evaluated: 2020-03-02. Review status: criteria provided, single submitter. Criteria: GeneDx Variant Classification Process June 2021. Collection method: clinical testing. Allele origin: germline. Affected: yes.
Comment: Has not been previously published as pathogenic or benign to our knowledge; Not observed at a significant frequency in large population cohorts (Lek et al., 2016); In silico analysis supports that this missense variant has a deleterious effect on protein structure/function